The following is an entry in ClinVar:

NM_021620.4(PRDM13):c.1241C>A (p.Ala414Glu)

Gene: PRDM13 (PR/SET domain 13; plus strand). Cytogenetic location: 6q16.2.
Variant type: single nucleotide variant.
Coding change: c.1241C>A on transcript NM_021620.4 (MANE Select); coding-DNA position 1241, C replaced by A.
Protein change: p.Ala414Glu; replaces alanine 414 with glutamic acid.
Molecular consequence: missense variant.
Genome position (GRCh38, 1-based): chr6:99,613,876, C>A. VCF-style: chr6-99613876-C-A. GRCh37 (hg19) VCF-style: chr6-100061752-C-A.
Other names: short protein forms A414E.
Identifiers: ClinVar variation 3669776 (VCV003669776.3).

ClinVar aggregate classification (germline): Uncertain significance. Review status: criteria provided, multiple submitters, no conflicts (2 of 4 stars). 2 submissions from 2 submitters: Uncertain significance (2). Last evaluated 2024-12-22.

gnomAD v4.1: 1 of 1,526,036 alleles (0.000066%); highest among the groups gnomAD compares: Non-Finnish European, 0.000087%; no homozygotes.

Submissions (2):

Labcorp Genetics (formerly Invitae), Labcorp
Classification: Uncertain significance. Last evaluated: 2024-12-22. Review status: criteria provided, single submitter. Criteria: Invitae Variant Classification Sherloc (09022015). Collection method: clinical testing. Allele origin: germline.
Comment: This sequence change replaces alanine, which is neutral and non-polar, with glutamic acid, which is acidic and polar, at codon 414 of the PRDM13 protein (p.Ala414Glu). This variant is not present in population databases (gnomAD no frequency). This variant has not been reported in the literature in individuals affected with PRDM13-related conditions. An algorithm developed to predict the effect of missense changes on protein structure and function outputs the following: PolyPhen-2: "Benign". The glutamic acid amino acid residue is found in multiple mammalian species, which suggests that this missense change does not adversely affect protein function. In summary, the available evidence is currently insufficient to determine the role of this variant in disease. Therefore, it has been classified as a Variant of Uncertain Significance.

Blueprint Genetics
Classification: Uncertain significance. Last evaluated: 2023-10-12. Review status: criteria provided, single submitter. Criteria: ACMG Guidelines, 2015. Collection method: clinical testing. Allele origin: germline.